The following is an entry in ClinVar:

NM_001024630.4(RUNX2):c.1307C>T (p.Pro436Leu)

Gene: RUNX2 (RUNX family transcription factor 2; plus strand). Cytogenetic location: 6p21.1.
Variant type: single nucleotide variant.
Coding change: c.1307C>T on transcript NM_001024630.4 (MANE Select); coding-DNA position 1307, C replaced by T.
Protein change: p.Pro436Leu; replaces proline 436 with leucine.
Molecular consequence: missense variant.
Genome position (GRCh38, 1-based): chr6:45,547,046, C>T. VCF-style: chr6-45547046-C-T. GRCh37 (hg19) VCF-style: chr6-45514783-C-T.
Other names: c.1241C>T, p.Pro414Leu (NM_001015051.4); c.1199C>T, p.Pro400Leu (NM_001278478.2); c.1265C>T, p.Pro422Leu (NM_001369405.1, NM_004348.3); short protein forms P400L, P436L, P414L, P422L.
Identifiers: ClinVar variation 1911283 (VCV001911283.5), dbSNP rs751887748, ClinGen allele CA3836605.

ClinVar aggregate classification (germline): Uncertain significance (1 of 4 stars; one submission).

Allele frequency attached by ClinVar (database versions not stated): TOPMed 0.00002; gnomAD 0.00003.
gnomAD v4.1: 25 of 1,614,006 alleles (0.0015%); highest among the groups gnomAD compares: African/African-American, 0.0027%; no homozygotes.

Submission:

Labcorp Genetics (formerly Invitae), Labcorp
Classification: Uncertain significance. Last evaluated: 2025-11-27. Review status: criteria provided, single submitter. Criteria: Invitae Variant Classification Sherloc (09022015). Collection method: clinical testing. Allele origin: germline.
Comment: This sequence change replaces proline, which is neutral and non-polar, with leucine, which is neutral and non-polar, at codon 436 of the RUNX2 protein (p.Pro436Leu). This variant is present in population databases (rs751887748, gnomAD 0.002%). This variant has not been reported in the literature in individuals affected with RUNX2-related conditions. ClinVar contains an entry for this variant (Variation ID: 1911283). Invitae Evidence Modeling of protein sequence and biophysical properties (such as structural, functional, and spatial information, amino acid conservation, physicochemical variation, residue mobility, and thermodynamic stability) indicates that this missense variant is not expected to disrupt RUNX2 protein function with a negative predictive value of 80%. In summary, the available evidence is currently insufficient to determine the role of this variant in disease. Therefore, it has been classified as a Variant of Uncertain Significance.